The following is an entry in ClinVar:

ClinVar aggregate classification (germline): Likely benign (1 of 4 stars; one submission).

gnomAD v4.1: 5 of 1,613,722 alleles (0.00031%); highest among the groups gnomAD compares: East Asian, 0.0022%; no homozygotes.

Submission:

CeGaT Center for Human Genetics Tuebingen
Classification: Likely benign. Last evaluated: 2024-09-01. Review status: criteria provided, single submitter. Criteria: CeGaT Center For Human Genetics Tuebingen Variant Classification Criteria Version 2. Collection method: clinical testing. Allele origin: germline. Affected: yes. Observed: 1 variant allele.
Comment: SCN8A: BP4

NM_001330260.2(SCN8A):c.618T>C (p.Tyr206=)

Gene: SCN8A (sodium voltage-gated channel alpha subunit 8; plus strand). Cytogenetic location: 12q13.13.
Variant type: single nucleotide variant.
Coding change: c.618T>C on transcript NM_001330260.2 (MANE Select); coding-DNA position 618, T replaced by C.
Protein change: p.Tyr206=; no amino-acid change (tyrosine 206 retained).
Molecular consequence: synonymous variant. On other transcripts: intron variant (2).
Genome position (GRCh38, 1-based): chr12:51,689,008, T>C. VCF-style: chr12-51689008-T-C. GRCh37 (hg19) VCF-style: chr12-52082792-T-C.
Other names: c.618T>C, p.Tyr206= (NM_001369788.1); c.706+159T>C (NM_014191.4, NM_001177984.3).
Identifiers: ClinVar variation 3390340 (VCV003390340.14).
Genomic context (GRCh38, chr12:51,689,008, plus strand): 5'-TTTGTGTTTGTGTCTGTGTTTGTCACTTGTGTCTGTGTGTGACCTCCCTTACTACAGATA[T>C]GTGACAGAGTTTGTGGACCTGGGCAATGTCTCAGCGCTGAGAACATTCAGGGTTCTCCGA-3'
Protein context (NP_001317189.1, residues 196-216): WLDFSVIMMA[Tyr206=]VTEFVDLGNV